The following is an entry in ClinVar:

ClinVar aggregate classification (germline): Benign/Likely benign. Review status: criteria provided, multiple submitters, no conflicts (2 of 4 stars). 4 submissions from 4 submitters: Benign (1); Likely benign (2). 1 of the submissions does not count toward it. Last evaluated 2025-07-06.

Conditions:
Rubinstein-Taybi syndrome (RSTS). Identifiers: Orphanet 783, MedGen C0035934, MONDO:0019188.
CREBBP-related disorder. Also called: CREBBP-related disorders; CREBBP-related condition.

Allele frequency attached by ClinVar (database versions not stated): gnomAD 0.00002; gnomAD exomes 0.00003; TOPMed 0.00006; ExAC 0.00012; 1000 Genomes Project 0.00020; 1000 Genomes Project 30x 0.00031.
gnomAD v4.1: 52 of 1,614,090 alleles (0.0032%); highest among the groups gnomAD compares: Admixed American, 0.038%; no homozygotes.

Submissions (4):

Labcorp Genetics (formerly Invitae), Labcorp
Classification: Benign for Rubinstein-Taybi syndrome. Last evaluated: 2025-07-06. Review status: criteria provided, single submitter. Criteria: Invitae Variant Classification Sherloc (09022015). Collection method: clinical testing. Allele origin: germline.

Blueprint Genetics
Classification: Likely benign. Last evaluated: 2024-09-05. Review status: criteria provided, single submitter. Criteria: ACMG Guidelines, 2015. Collection method: clinical testing. Allele origin: germline.

Mayo Clinic Laboratories, Mayo Clinic
Classification: Likely benign. Last evaluated: 2023-11-16. Review status: criteria provided, single submitter. Criteria: ACMG Guidelines, 2015. Collection method: clinical testing. Allele origin: germline. Observed: 2 variant alleles.
Comment: BP4, BP7

PreventionGenetics, part of Exact Sciences
Classification: Likely benign for CREBBP-related condition. Last evaluated: 2022-11-09. Review status: no assertion criteria provided. Collection method: clinical testing. Allele origin: germline. Not counted in ClinVar's aggregate classification.
Comment: This variant is classified as likely benign based on ACMG/AMP sequence variant interpretation guidelines (Richards et al. 2015 PMID: 25741868, with internal and published modifications).

NM_004380.3(CREBBP):c.3759C>T (p.Asp1253=)

Gene: CREBBP (CREB binding lysine acetyltransferase; minus strand). Cytogenetic location: 16p13.3.
Variant type: single nucleotide variant.
Coding change: c.3759C>T on transcript NM_004380.3 (MANE Select); coding-DNA position 3759, C replaced by T.
Protein change: p.Asp1253=; no amino-acid change (aspartic acid 1253 retained).
Molecular consequence: synonymous variant.
Genome position (GRCh38, 1-based): chr16:3,751,746, G>A on the plus strand (C>T on the coding strand, the complement: CREBBP is on the minus strand). VCF-style: chr16-3751746-G-A. GRCh37 (hg19) VCF-style: chr16-3801747-G-A.
Other names: p.Asp1253=; c.3759C>T (NM_004380.2); c.3645C>T, p.Asp1215= (NM_001079846.1).
Identifiers: ClinVar variation 2050436 (VCV002050436.8), dbSNP rs180677405, ClinGen allele CA7869758.